The following is an entry in ClinVar:

ClinVar aggregate classification (germline): Likely benign. Review status: criteria provided, multiple submitters, no conflicts (2 of 4 stars). 3 submissions from 3 submitters: Likely benign (3). Last evaluated 2025-12-26.

Conditions:
Diamond-Blackfan anemia 10 (DBA10). Also called: RPS26-Related Diamond-Blackfan Anemia. Identifiers: Orphanet 124, MedGen C2750080, MONDO:0013217, OMIM 613309.

Allele frequency attached by ClinVar (database versions not stated): gnomAD 0.00001; TOPMed 0.00001; gnomAD exomes 0.00002; ExAC 0.00005.
gnomAD v4.1: 29 of 1,613,842 alleles (0.0018%); highest among the groups gnomAD compares: South Asian, 0.0077%; no homozygotes.

Submissions (3):

Labcorp Genetics (formerly Invitae), Labcorp
Classification: Likely benign for Diamond-Blackfan anemia 10. Last evaluated: 2025-12-26. Review status: criteria provided, single submitter. Criteria: Invitae Variant Classification Sherloc (09022015). Collection method: clinical testing. Allele origin: germline.

Fulgent Genetics
Classification: Likely benign for Diamond-Blackfan anemia 10. Last evaluated: 2022-05-20. Review status: criteria provided, single submitter. Criteria: ACMG Guidelines, 2015. Collection method: clinical testing. Allele origin: unknown.

Illumina Laboratory Services, Illumina
Classification: Likely benign for Diamond-Blackfan anemia 10. Last evaluated: 2018-01-12. Review status: criteria provided, single submitter. Criteria: ICSL Variant Classification Criteria 13 December 2019. Collection method: clinical testing. Allele origin: germline.
Comment: This variant was observed in the ICSL laboratory as part of a predisposition screen in an ostensibly healthy population. It had not been previously curated by ICSL or reported in the Human Gene Mutation Database (HGMD: prior to June 1st, 2018), and was therefore a candidate for classification through an automated scoring system. Utilizing variant allele frequency, disease prevalence and penetrance estimates, and inheritance mode, an automated score was calculated to assess if this variant is too frequent to cause the disease. Based on the score and internal cut-off values, a variant classified as likely benign is not then subjected to further curation. The score for this variant resulted in a classification of likely benign for this disease.

NM_001029.5(RPS26):c.3+14C>T

Gene: RPS26 (ribosomal protein S26; plus strand). Cytogenetic location: 12q13.2.
Variant type: single nucleotide variant.
Coding change: c.3+14C>T on transcript NM_001029.5 (MANE Select); 14 bases into the intron after coding-DNA position 3, C replaced by T.
Molecular consequence: intron variant.
Genome position (GRCh38, 1-based): chr12:56,042,183, C>T. VCF-style: chr12-56042183-C-T. GRCh37 (hg19) VCF-style: chr12-56435967-C-T.
Identifiers: ClinVar variation 883852 (VCV000883852.9), dbSNP rs763770729, ClinGen allele CA6621662.